The following is an entry in ClinVar:

NM_002335.4(LRP5):c.1385G>A (p.Arg462Gln)

Gene: LRP5 (LDL receptor related protein 5; plus strand). Cytogenetic location: 11q13.2.
Variant type: single nucleotide variant.
Coding change: c.1385G>A on transcript NM_002335.4 (MANE Select); coding-DNA position 1385, G replaced by A.
Protein change: p.Arg462Gln; replaces arginine 462 with glutamine.
Molecular consequence: missense variant. On other transcripts: 5 prime UTR variant (1).
Genome position (GRCh38, 1-based): chr11:68,386,685, G>A. VCF-style: chr11-68386685-G-A. GRCh37 (hg19) VCF-style: chr11-68154153-G-A.
Other names: c.-381G>A (NM_001291902.2); short protein forms R462Q.
Identifiers: ClinVar variation 1526384 (VCV001526384.10), dbSNP rs756952499, ClinGen allele CA6149314.

ClinVar aggregate classification (germline): Conflicting classifications of pathogenicity. Review status: criteria provided, conflicting classifications (1 of 4 stars). 4 submissions from 4 submitters: Likely pathogenic (1); Uncertain significance (3). Last evaluated 2025-12-22.

Conditions:
Exudative vitreoretinopathy 4 (EVR4). Identifiers: Orphanet 891, MedGen C1866176, MONDO:0011151, OMIM 601813.

Allele frequency attached by ClinVar (database versions not stated): ExAC 0.00001; gnomAD exomes 0.00001.
gnomAD v4.1: 13 of 1,613,334 alleles (0.00081%); highest among the groups gnomAD compares: South Asian, 0.0011%; no homozygotes.

Submissions (4):

GeneDx
Classification: Likely pathogenic. Last evaluated: 2025-12-22. Review status: criteria provided, single submitter. Criteria: GeneDx Variant Classification Process June 2021. Collection method: clinical testing. Allele origin: germline. Affected: yes.
Comment: Identified as heterozygous in unrelated patients with familial exudative retinopathy referred for genetic testing at GeneDx and in published literature (PMID: 34860240, 40725964); Not observed at significant frequency in large population cohorts (gnomAD); In silico analysis supports that this missense variant has a deleterious effect on protein structure/function; This variant is associated with the following publications: (PMID: 34860240, 40725964, Hsieh2024[Preprint])

Labcorp Genetics (formerly Invitae), Labcorp
Classification: Uncertain significance. Last evaluated: 2025-02-01. Review status: criteria provided, single submitter. Criteria: Invitae Variant Classification Sherloc (09022015). Collection method: clinical testing. Allele origin: germline.
Comment: This sequence change replaces arginine, which is basic and polar, with glutamine, which is neutral and polar, at codon 462 of the LRP5 protein (p.Arg462Gln). This variant is present in population databases (rs756952499, gnomAD 0.003%). This missense change has been observed in individual(s) with familial exudative vitreoretinopathy (PMID: 34860240). ClinVar contains an entry for this variant (Variation ID: 1526384). Invitae Evidence Modeling of protein sequence and biophysical properties (such as structural, functional, and spatial information, amino acid conservation, physicochemical variation, residue mobility, and thermodynamic stability) indicates that this missense variant is expected to disrupt LRP5 protein function with a positive predictive value of 95%. In summary, the available evidence is currently insufficient to determine the role of this variant in disease. Therefore, it has been classified as a Variant of Uncertain Significance.

3billion
Classification: Uncertain significance for Exudative vitreoretinopathy 4. Last evaluated: 2022-09-01. Review status: criteria provided, single submitter. Criteria: ACMG Guidelines, 2015. Collection method: clinical testing. Allele origin: germline. Affected: yes. Observed: 1 heterozygote.
Comment: The variant is observed at an extremely low frequency in the gnomAD v2.1.1 dataset (total allele frequency: <0.001%). In silico tool predictions suggest damaging effect of the variant on gene or gene product (REVEL: 0.89; 3Cnet: 0.08). Therefore, this variant is classified as uncertain significance according to the recommendation of ACMG/AMP guideline.

Blueprint Genetics
Classification: Uncertain significance. Last evaluated: 2020-11-02. Review status: criteria provided, single submitter. Criteria: ACMG Guidelines, 2015. Collection method: clinical testing. Allele origin: germline.

Literature cited by the submitters: PubMed 34860240 (cited by Labcorp Genetics (formerly Invitae), Labcorp).